The following is an entry in ClinVar:

NM_014165.4(NDUFAF4):c.476T>C (p.Phe159Ser)

Gene: NDUFAF4 (NADH:ubiquinone oxidoreductase complex assembly factor 4; minus strand). Cytogenetic location: 6q16.1.
Variant type: single nucleotide variant.
Coding change: c.476T>C on transcript NM_014165.4 (MANE Select); coding-DNA position 476, T replaced by C.
Protein change: p.Phe159Ser; replaces phenylalanine 159 with serine.
Molecular consequence: missense variant.
Genome position (GRCh38, 1-based): chr6:96,891,156, A>G on the plus strand (T>C on the coding strand, the complement: NDUFAF4 is on the minus strand). VCF-style: chr6-96891156-A-G. GRCh37 (hg19) VCF-style: chr6-97339032-A-G.
Other names: short protein forms F159S.
Identifiers: ClinVar variation 1502102 (VCV001502102.8), dbSNP rs2127974150, ClinGen allele CA365279515.

ClinVar aggregate classification (germline): Uncertain significance (1 of 4 stars; one submission).

Submission:

Labcorp Genetics (formerly Invitae), Labcorp
Classification: Uncertain significance. Last evaluated: 2021-12-02. Review status: criteria provided, single submitter. Criteria: Invitae Variant Classification Sherloc (09022015). Collection method: clinical testing. Allele origin: germline.
Comment: In summary, the available evidence is currently insufficient to determine the role of this variant in disease. Therefore, it has been classified as a Variant of Uncertain Significance. Algorithms developed to predict the effect of missense changes on protein structure and function are either unavailable or do not agree on the potential impact of this missense change (SIFT: "Deleterious"; PolyPhen-2: "Probably Damaging"; Align-GVGD: "Class C0"). This variant has not been reported in the literature in individuals affected with NDUFAF4-related conditions. This variant is not present in population databases (gnomAD no frequency). This sequence change replaces phenylalanine, which is neutral and non-polar, with serine, which is neutral and polar, at codon 159 of the NDUFAF4 protein (p.Phe159Ser).